The following is an entry in ClinVar:

NM_006939.4(SOS2):c.727A>G (p.Ile243Val)

Gene: SOS2 (SOS Ras/Rho guanine nucleotide exchange factor 2; minus strand). Cytogenetic location: 14q21.3.
Variant type: single nucleotide variant.
Coding change: c.727A>G on transcript NM_006939.4 (MANE Select); coding-DNA position 727, A replaced by G.
Protein change: p.Ile243Val; replaces isoleucine 243 with valine.
Molecular consequence: missense variant.
Genome position (GRCh38, 1-based): chr14:50,182,594, T>C on the plus strand (A>G on the coding strand, the complement: SOS2 is on the minus strand). VCF-style: chr14-50182594-T-C. GRCh37 (hg19) VCF-style: chr14-50649312-T-C.
Other names: c.727A>G, p.Ile243Val (NM_001411020.1); short protein forms I243V.
Identifiers: ClinVar variation 2563213 (VCV002563213.2), dbSNP rs1157906294, ClinGen allele CA389647887.

ClinVar aggregate classification (germline): Uncertain significance (1 of 4 stars; one submission).

Conditions:
Cardiovascular phenotype. Identifiers: MedGen CN230736.

Allele frequency attached by ClinVar (database versions not stated): gnomAD exomes below 0.00001.
gnomAD v4.1: 1 of 1,601,972 alleles (0.000062%); highest among the groups gnomAD compares: Admixed American, 0.0017%; no homozygotes.

Submission:

Ambry Genetics
Classification: Uncertain significance for Cardiovascular phenotype. Last evaluated: 2023-03-26. Review status: criteria provided, single submitter. Criteria: Ambry Variant Classification Scheme 2023. Collection method: clinical testing. Allele origin: germline.
Comment: The p.I243V variant (also known as c.727A>G), located in coding exon 6 of the SOS2 gene, results from an A to G substitution at nucleotide position 727. The isoleucine at codon 243 is replaced by valine, an amino acid with highly similar properties. This amino acid position is conserved. In addition, this alteration is predicted to be tolerated by in silico analysis. Since supporting evidence is limited at this time, the clinical significance of this alteration remains unclear.